The following is an entry in ClinVar:

ClinVar aggregate classification (germline): Conflicting classifications of pathogenicity. Review status: criteria provided, conflicting classifications (1 of 4 stars). 3 submissions from 3 submitters: Uncertain significance (1); Benign (1); Likely benign (1). Last evaluated 2025-01-27.

Conditions:
Hereditary cancer-predisposing syndrome. Also called: Neoplastic Syndromes, Hereditary; Hereditary Cancer Syndrome; Tumor predisposition; Hereditary neoplastic syndrome. Identifiers: Orphanet 140162, MedGen C0027672, MeSH D009386, MONDO:0015356.
Hereditary nonpolyposis colorectal neoplasms. Identifiers: MedGen C0009405, MeSH D003123.
Lynch syndrome 4 (LYNCH4). Also called: Hereditary non-polyposis colorectal cancer, type 4; Colorectal cancer, hereditary nonpolyposis, type 4. Identifiers: Orphanet 144, MedGen C1838333, MONDO:0013699, OMIM 614337. Disease mechanism: loss of function.

Submissions (3):

Myriad Genetics, Inc.
Classification: Benign for Lynch syndrome 4. Last evaluated: 2025-01-27. Review status: criteria provided, single submitter. Criteria: Myriad Autosomal Dominant, Autosomal Recessive and X-Linked Classification Criteria (2023). Collection method: clinical testing. Allele origin: unknown.
Comment: This variant is considered benign. This variant is a silent/synonymous amino acid change and it is not expected to impact splicing.

Ambry Genetics
Classification: Likely benign for Hereditary cancer-predisposing syndrome. Last evaluated: 2024-10-15. Review status: criteria provided, single submitter. Criteria: Ambry Variant Classification Scheme 2023. Collection method: clinical testing. Allele origin: germline.

Labcorp Genetics (formerly Invitae), Labcorp
Classification: Uncertain significance for Hereditary nonpolyposis colorectal neoplasms. Last evaluated: 2023-09-05. Review status: criteria provided, single submitter. Criteria: Invitae Variant Classification Sherloc (09022015). Collection method: clinical testing. Allele origin: germline.
Comment: In summary, the available evidence is currently insufficient to determine the role of this variant in disease. Therefore, it has been classified as a Variant of Uncertain Significance. Algorithms developed to predict the effect of sequence changes on RNA splicing suggest that this variant may create or strengthen a splice site. This variant has not been reported in the literature in individuals affected with PMS2-related conditions. This variant is not present in population databases (gnomAD no frequency). This sequence change affects codon 201 of the PMS2 mRNA. It is a 'silent' change, meaning that it does not change the encoded amino acid sequence of the PMS2 protein.

NM_000535.7(PMS2):c.603T>C (p.Ser201=)

Gene: PMS2 (PMS1 homolog 2, mismatch repair system component; minus strand). Cytogenetic location: 7p22.1.
Variant type: single nucleotide variant.
Coding change: c.603T>C on transcript NM_000535.7 (MANE Select); coding-DNA position 603, T replaced by C.
Protein change: p.Ser201=; no amino-acid change (serine 201 retained).
Molecular consequence: synonymous variant. On other transcripts: 5 prime UTR variant (2), non-coding transcript variant (1), intron variant (9).
Genome position (GRCh38, 1-based): chr7:5,999,210, A>G on the plus strand (T>C on the coding strand, the complement: PMS2 is on the minus strand). VCF-style: chr7-5999210-A-G. GRCh37 (hg19) VCF-style: chr7-6038841-A-G.
Other names: c.198T>C, p.Ser66= (NM_001018040.1, NM_001322003.2, NM_001322004.2 and 20 more transcripts); c.603T>C, p.Ser201= (NM_001322006.2, NM_001322014.2, NM_001406870.1 and 4 more transcripts); c.285T>C, p.Ser95= (NM_001322007.2, NM_001322008.2, NM_001406876.1 and 4 more transcripts); c.-331T>C (NM_001322011.2, NM_001322012.2); c.294T>C, p.Ser98= (NM_001322015.2, NM_001406875.1, NM_001406877.1 and 6 more transcripts); c.789T>C, p.Ser263= (NM_001406866.1); c.627T>C, p.Ser209= (NM_001406868.1); c.267T>C, p.Ser89= (NM_001406885.1); and 6 more.
Identifiers: ClinVar variation 2754901 (VCV002754901.6), dbSNP rs2128801080, ClinGen allele CA453647132.